The following is an entry in ClinVar:

NM_001035.3(RYR2):c.12544G>A (p.Glu4182Lys)

Genes: RYR2 (ryanodine receptor 2; plus strand), LOC126806068 (BRD4-independent group 4 enhancer GRCh37_chr1:237947411-237948610; plus strand). Cytogenetic location: 1q43.
Variant type: single nucleotide variant.
Coding change: c.12544G>A on transcript NM_001035.3 (MANE Select); coding-DNA position 12544, G replaced by A.
Protein change: p.Glu4182Lys; replaces glutamic acid 4182 with lysine.
Molecular consequence: missense variant.
Genome position (GRCh38, 1-based): chr1:237,784,256, G>A. VCF-style: chr1-237784256-G-A. GRCh37 (hg19) VCF-style: chr1-237947556-G-A.
Other names: short protein forms E4182K.
Identifiers: ClinVar variation 4758934 (VCV004758934.1).

ClinVar aggregate classification (germline): Uncertain significance (1 of 4 stars; one submission).

Conditions:
Cardiomyopathy (CMYO). Also called: Cardiomyopathies. Identifiers: Orphanet 167848, MedGen C0878544, MONDO:0004994, HP:0001638. Inheritance: Various modes of inheritance.

Submission:

Color Diagnostics, LLC DBA Color Health
Classification: Uncertain significance for Cardiomyopathy. Last evaluated: 2025-07-14. Review status: criteria provided, single submitter. Criteria: ACMG Guidelines, 2015. Collection method: clinical testing. Allele origin: germline.
Comment: This missense variant replaces glutamic acid with lysine at codon 4182 of the RYR2 protein. Computational prediction suggests that this variant may have deleterious impact on protein structure and function. To our knowledge, functional studies have not been reported for this variant. This variant has not been reported in individuals affected with RYR2-related disorders in the literature. This variant has not been identified in the general population by the Genome Aggregation Database (gnomAD). The available evidence is insufficient to determine the role of this variant in disease conclusively. Therefore, this variant is classified as a Variant of Uncertain Significance.